The following is an entry in ClinVar:

ClinVar aggregate classification (germline): Pathogenic (1 of 4 stars; one submission).

Submission:

Labcorp Genetics (formerly Invitae), Labcorp
Classification: Pathogenic. Last evaluated: 2022-12-15. Review status: criteria provided, single submitter. Criteria: Invitae Variant Classification Sherloc (09022015). Collection method: clinical testing. Allele origin: germline.
Comment: For these reasons, this variant has been classified as Pathogenic. This variant has not been reported in the literature in individuals affected with MYO15A-related conditions. This variant is not present in population databases (gnomAD no frequency). This sequence change creates a premature translational stop signal (p.Ala706Glyfs*5) in the MYO15A gene. It is expected to result in an absent or disrupted protein product. Loss-of-function variants in MYO15A are known to be pathogenic (PMID: 17546645).

Literature cited by the submitters: PubMed 17546645.

NM_016239.4(MYO15A):c.2117_2573del (p.Ala706fs)

Gene: MYO15A (myosin XVA; plus strand). Cytogenetic location: 17p11.2.
Variant type: Deletion.
Coding change: c.2117_2573del on transcript NM_016239.4 (MANE Select); coding-DNA positions 2117 to 2573, 457 bases deleted.
Protein change: p.Ala706fs; shifts the reading frame from alanine 706.
Molecular consequence: frameshift variant.
Genome position (GRCh38, 1-based): chr17:18,120,917-18,121,373, 457 bases deleted. GRCh37 (hg19): chr17:18,024,231-18,024,687.
Other names: short protein forms A706fs.
Identifiers: ClinVar variation 2821038 (VCV002821038.3), dbSNP rs2545185062, ClinGen allele CA2739267204.